The following is an entry in ClinVar:

ClinVar aggregate classification (germline): Pathogenic (1 of 4 stars; one submission).

Conditions:
Nemaline myopathy 2 (NEM2). Also called: Nemaline myopathy 2, autosomal recessive. Identifiers: MedGen C1850569, MONDO:0009725, OMIM 256030.

Submission:

Labcorp Genetics (formerly Invitae), Labcorp
Classification: Pathogenic for Nemaline myopathy 2. Last evaluated: 2023-06-23. Review status: criteria provided, single submitter. Criteria: Invitae Variant Classification Sherloc (09022015). Collection method: clinical testing. Allele origin: germline.
Comment: For these reasons, this variant has been classified as Pathogenic. This variant has not been reported in the literature in individuals affected with NEB-related conditions. This variant is not present in population databases (gnomAD no frequency). This sequence change creates a premature translational stop signal (p.Thr6199Hisfs*14) in the NEB gene. It is expected to result in an absent or disrupted protein product. Loss-of-function variants in NEB are known to be pathogenic (PMID: 25205138).

Literature cited by the submitters: PubMed 25205138.

NM_001164508.2(NEB):c.18594del (p.Thr6199fs)

Gene: NEB (nebulin; minus strand). Cytogenetic location: 2q23.3.
Variant type: Deletion.
Coding change: c.18594del on transcript NM_001164508.2 (MANE Select); coding-DNA position 18594, one base deleted (G; older notation c.18594delG).
Protein change: p.Thr6199fs; shifts the reading frame from threonine 6199.
Molecular consequence: frameshift variant.
Genome position (GRCh38, 1-based): chr2:151,563,705, C deleted on the plus strand (G on the coding strand, the reverse complement: NEB is on the minus strand). VCF-style (leftmost placement, unchanged base first): chr2-151563704-TC-T. GRCh37 (hg19) VCF-style: chr2-152420218-TC-T.
Other names: c.18594del, p.Thr6199fs (NM_001164507.2, NM_001271208.2); c.13491del, p.Thr4498fs (NM_004543.5); short protein forms T4498fs, T6199fs.
Identifiers: ClinVar variation 2720439 (VCV002720439.3), dbSNP rs2552191244, ClinGen allele CA2697551161.